The following is an entry in ClinVar:

ClinVar aggregate classification (germline): Uncertain significance. Review status: criteria provided, multiple submitters, no conflicts (2 of 4 stars). 2 submissions from 2 submitters: Uncertain significance (2). Last evaluated 2024-10-15.

Conditions:
Multiple congenital anomalies-hypotonia-seizures syndrome 3 (MCAHS3). Also called: GLYCOSYLPHOSPHATIDYLINOSITOL BIOSYNTHESIS DEFECT 7. Identifiers: Orphanet 369837, MedGen C3809356, MONDO:0014165, OMIM 615398.
Inborn genetic diseases. Identifiers: MedGen C0950123, MeSH D030342.

Allele frequency attached by ClinVar (database versions not stated): ExAC 0.00001.

Submissions (2):

Labcorp Genetics (formerly Invitae), Labcorp
Classification: Uncertain significance for Multiple congenital anomalies-hypotonia-seizures syndrome 3. Last evaluated: 2024-10-15. Review status: criteria provided, single submitter. Criteria: Invitae Variant Classification Sherloc (09022015). Collection method: clinical testing. Allele origin: germline.
Comment: This sequence change replaces arginine, which is basic and polar, with cysteine, which is neutral and slightly polar, at codon 209 of the PIGT protein (p.Arg209Cys). This variant is present in population databases (rs759457479, gnomAD 0.006%). This variant has not been reported in the literature in individuals affected with PIGT-related conditions. ClinVar contains an entry for this variant (Variation ID: 1983296). Invitae Evidence Modeling of protein sequence and biophysical properties (such as structural, functional, and spatial information, amino acid conservation, physicochemical variation, residue mobility, and thermodynamic stability) has been performed for this missense variant. However, the output from this modeling did not meet the statistical confidence thresholds required to predict the impact of this variant on PIGT protein function. In summary, the available evidence is currently insufficient to determine the role of this variant in disease. Therefore, it has been classified as a Variant of Uncertain Significance.

Ambry Genetics
Classification: Uncertain significance for Inborn genetic diseases. Last evaluated: 2023-05-05. Review status: criteria provided, single submitter. Criteria: Ambry Variant Classification Scheme 2023. Collection method: clinical testing. Allele origin: germline.

NM_015937.6(PIGT):c.625C>T (p.Arg209Cys)

Gene: PIGT (phosphatidylinositol glycan anchor biosynthesis class T; plus strand). Cytogenetic location: 20q13.12.
Variant type: single nucleotide variant.
Coding change: c.625C>T on transcript NM_015937.6 (MANE Select); coding-DNA position 625, C replaced by T.
Protein change: p.Arg209Cys; replaces arginine 209 with cysteine.
Molecular consequence: missense variant. On other transcripts: non-coding transcript variant (5).
Genome position (GRCh38, 1-based): chr20:45,419,534, C>T. VCF-style: chr20-45419534-C-T. GRCh37 (hg19) VCF-style: chr20-44048174-C-T.
Other names: c.457C>T, p.Arg153Cys (NM_001184728.3); c.625C>T, p.Arg209Cys (NM_001184729.3); c.319C>T, p.Arg107Cys (NM_001184730.3); c.625C>T (NM_015937.4); short protein forms R107C, R153C, R209C.
Identifiers: ClinVar variation 1983296 (VCV001983296.6), dbSNP rs759457479, ClinGen allele CA9877984.